The following is an entry in ClinVar:

NM_000092.5(COL4A4):c.1723G>A (p.Gly575Arg)

Gene: COL4A4 (collagen type IV alpha 4 chain; minus strand). Cytogenetic location: 2q36.3.
Variant type: single nucleotide variant.
Coding change: c.1723G>A on transcript NM_000092.5 (MANE Select); coding-DNA position 1723, G replaced by A.
Protein change: p.Gly575Arg; replaces glycine 575 with arginine.
Molecular consequence: missense variant.
Genome position (GRCh38, 1-based): chr2:227,080,523, C>T on the plus strand (G>A on the coding strand, the complement: COL4A4 is on the minus strand). VCF-style: chr2-227080523-C-T. GRCh37 (hg19) VCF-style: chr2-227945239-C-T.
Other names: short protein forms G575R.
Identifiers: ClinVar variation 4817294 (VCV004817294.1).
Genomic context (GRCh38, chr2:227,080,523, plus strand): 5'-TTTCTCCAGCATGTCCATCCCGACCATGTGATCCTGGCTGCCCTGGAAATCCTGGGGGCC[C>T]ATCAGGACCTCTTTCTCCTTTGTGCCCTGGAAATAGAGGTCAAAAGATATTCAAGCTCTT-3'
Protein context (NP_000083.3, residues 565-585): KGHKGERGPD[Gly575Arg]PPGFPGQPGS

ClinVar aggregate classification (germline): Likely pathogenic (1 of 4 stars; one submission).

Conditions:
Alport syndrome. Also called: Hemorrhagic familial nephritis; Hemorrhagic hereditary nephritis; Congenital hereditary hematuria. Identifiers: Orphanet 63, MedGen C1567741, MONDO:0018965.

Submission:

Natera, Inc.
Classification: Likely pathogenic for Alport syndrome. Last evaluated: 2025-12-29. Review status: criteria provided, single submitter. Criteria: Natera Variant Classification Schema (03/2026). Collection method: clinical testing. Allele origin: germline.
Comment: The c.1723G>A variant in COL4A4 is a missense variant predicted to cause substitution of glycine to arginine at amino acid 575. This variant is rare in the general population with a frequency below the threshold expected for the associated phenotype(s). This variant is located in a functionally critical region of the protein. Computational prediction algorithms indicate this variant is likely to affect gene or protein function. Given the available evidence, this variant is classified as Likely Pathogenic.